The following is an entry in ClinVar:

NM_020937.4(FANCM):c.5269C>T (p.Gln1757Ter)

Gene: FANCM (FA complementation group M; plus strand). Cytogenetic location: 14q21.2.
Variant type: single nucleotide variant.
Coding change: c.5269C>T on transcript NM_020937.4 (MANE Select); coding-DNA position 5269, C replaced by T.
Protein change: p.Gln1757Ter; replaces glutamine 1757 with a stop codon.
Molecular consequence: nonsense.
Genome position (GRCh38, 1-based): chr14:45,189,291, C>T. VCF-style: chr14-45189291-C-T. GRCh37 (hg19) VCF-style: chr14-45658494-C-T.
Other names: c.5191C>T, p.Gln1731Ter (NM_001308133.2); short protein forms Q1757*, Q1731*.
Identifiers: ClinVar variation 2196907 (VCV002196907.4), dbSNP rs2503246700, ClinGen allele CA389613156.

ClinVar aggregate classification (germline): Pathogenic (1 of 4 stars; one submission).

Conditions:
Fanconi anemia (FA). Also called: Fanconi's anemia. Identifiers: Orphanet 84, MedGen C0015625, MeSH D005199, MONDO:0019391.

Submission:

Labcorp Genetics (formerly Invitae), Labcorp
Classification: Pathogenic for Fanconi anemia. Last evaluated: 2025-04-07. Review status: criteria provided, single submitter. Criteria: Invitae Variant Classification Sherloc (09022015). Collection method: clinical testing. Allele origin: germline.
Comment: This sequence change creates a premature translational stop signal (p.Gln1757*) in the FANCM gene. It is expected to result in an absent or disrupted protein product. Loss-of-function variants in FANCM are known to be pathogenic (PMID: 29895858, 30075111). This variant is not present in population databases (gnomAD no frequency). This variant has not been reported in the literature in individuals affected with FANCM-related conditions. ClinVar contains an entry for this variant (Variation ID: 2196907). Algorithms developed to predict the effect of sequence changes on RNA splicing suggest that this variant may disrupt the consensus splice site. For these reasons, this variant has been classified as Pathogenic.

Literature cited by the submitters: PubMed 29895858; PubMed 30075111.